The following is an entry in ClinVar:

NM_012210.4(TRIM32):c.436C>T (p.Arg146Cys)

Genes: ASTN2 (astrotactin 2; minus strand), TRIM32 (tripartite motif containing 32; plus strand). Cytogenetic location: 9q33.1.
Variant type: single nucleotide variant.
Coding change: c.436C>T on transcript NM_012210.4 (MANE Select); coding-DNA position 436, C replaced by T.
Protein change: p.Arg146Cys; replaces arginine 146 with cysteine.
Molecular consequence: missense variant. On other transcripts: intron variant (3).
Genome position (GRCh38, 1-based): chr9:116,698,178, C>T. VCF-style: chr9-116698178-C-T. GRCh37 (hg19) VCF-style: chr9-119460457-C-T.
Other names: c.436C>T, p.Arg146Cys (NM_001099679.2, NM_001379048.1, NM_001379049.1 and 1 more transcripts); c.2653+27593G>A (NM_014010.5); c.2794+27593G>A (NM_001365069.1); c.2806+27593G>A (NM_001365068.1); short protein forms R146C.
Identifiers: ClinVar variation 4986942 (VCV004986942.1).

ClinVar aggregate classification (germline): Uncertain significance (1 of 4 stars; one submission).

Conditions:
TRIM32-related disorder. Also called: TRIM32-related condition.

gnomAD v4.1: 9 of 1,614,024 alleles (0.00056%); highest among the groups gnomAD compares: Middle Eastern, 0.016%; no homozygotes.

Submission:

PreventionGenetics, part of Exact Sciences
Classification: Uncertain significance for TRIM32-related condition. Last evaluated: 2025-10-24. Review status: criteria provided, single submitter. Criteria: ACMG Guidelines, 2015. Collection method: clinical testing. Allele origin: germline.
Comment: The TRIM32 c.436C>T variant is predicted to result in the amino acid substitution p.Arg146Cys. To our knowledge, this variant has not been reported in the literature or in a large population database (gnomAD), indicating this variant is rare. At this time, the clinical significance of this variant is uncertain due to the absence of conclusive functional and genetic evidence.